The following is an entry in ClinVar:

NM_177438.3(DICER1):c.1955A>C (p.Lys652Thr)

Gene: DICER1 (dicer 1, ribonuclease III; minus strand). Cytogenetic location: 14q32.13.
Variant type: single nucleotide variant.
Coding change: c.1955A>C on transcript NM_177438.3 (MANE Select); coding-DNA position 1955, A replaced by C.
Protein change: p.Lys652Thr; replaces lysine 652 with threonine.
Molecular consequence: missense variant.
Genome position (GRCh38, 1-based): chr14:95,113,177, T>G on the plus strand (A>C on the coding strand, the complement: DICER1 is on the minus strand). VCF-style: chr14-95113177-T-G. GRCh37 (hg19) VCF-style: chr14-95579514-T-G.
Other names: c.1955A>C, p.Lys652Thr (NM_001195573.1, NM_001271282.3, NM_001291628.2 and 1 more transcripts); short protein forms K652T.
Identifiers: ClinVar variation 477076 (VCV000477076.21), dbSNP rs755150419, ClinGen allele CA7331354.
Genomic context (GRCh38, chr14:95,113,177, plus strand): 5'-TTAATTGGCAGATAAAGAGTTGAATAAAATGTACCATCAGGCAACTCTCGGGTTCTGCAT[T>G]TAGGAGCTAGATGAGTAAACGGATCACTTGGTAATCTAGCACAGTATCTGTGAAGAAAAA-3'
Protein context (NP_803187.1, residues 642-662): PSDPFTHLAP[Lys652Thr]CRTRELPDGT

ClinVar aggregate classification (germline): Conflicting classifications of pathogenicity. Review status: criteria provided, conflicting classifications (1 of 4 stars). 5 submissions from 5 submitters: Uncertain significance (3); Likely benign (1). 1 of the submissions does not count toward it. Last evaluated 2025-12-03.

Conditions:
Global developmental delay - lung cysts - overgrowth - Wilms tumor syndrome. Also called: GLOW Syndrome; GLOBAL DEVELOPMENTAL DELAY, LUNG CYSTS, OVERGROWTH, AND WILMS TUMOR. Identifiers: Orphanet 404476, MedGen C4748924, MONDO:0018445, OMIM 618272.
DICER1-related disorder. Also called: DICER1-related condition.
DICER1-related tumor predisposition. Also called: DICER1-related pleuropulmonary blastoma cancer predisposition syndrome; DICER1 syndrome. Identifiers: Orphanet 284343, MedGen C3839822, MONDO:0100216.
Hereditary cancer-predisposing syndrome. Also called: Tumor predisposition; Neoplastic Syndromes, Hereditary; Hereditary Cancer Syndrome; Hereditary neoplastic syndrome. Identifiers: Orphanet 140162, MedGen C0027672, MeSH D009386, MONDO:0015356.

Allele frequency attached by ClinVar (database versions not stated): gnomAD 0.00001; ExAC 0.00002; TOPMed 0.00002.
gnomAD v4.1: 13 of 1,613,616 alleles (0.00081%); highest among the groups gnomAD compares: Admixed American, 0.022%; no homozygotes.

Submissions (5):

Labcorp Genetics (formerly Invitae), Labcorp
Classification: Likely benign for DICER1-related tumor predisposition. Last evaluated: 2025-12-03. Review status: criteria provided, single submitter. Criteria: Invitae Variant Classification Sherloc (09022015). Collection method: clinical testing. Allele origin: germline.

Ambry Genetics
Classification: Uncertain significance for Hereditary cancer-predisposing syndrome. Last evaluated: 2025-02-18. Review status: criteria provided, single submitter. Criteria: Ambry Variant Classification Scheme 2023. Collection method: clinical testing. Allele origin: germline.
Comment: The p.K652T variant (also known as c.1955A>C), located in coding exon 11 of the DICER1 gene, results from an A to C substitution at nucleotide position 1955. The lysine at codon 652 is replaced by threonine, an amino acid with similar properties. This amino acid position is highly conserved in available vertebrate species. In addition, the in silico prediction for this alteration is inconclusive. Since supporting evidence is limited at this time, the clinical significance of this alteration remains unclear.

GeneDx
Classification: Uncertain significance. Last evaluated: 2025-02-12. Review status: criteria provided, single submitter. Criteria: GeneDx Variant Classification Process June 2021. Collection method: clinical testing. Allele origin: germline. Affected: yes.
Comment: In silico analysis indicates that this missense variant does not alter protein structure/function; Has not been previously published as pathogenic or benign to our knowledge

Baylor Genetics
Classification: Uncertain significance for Global developmental delay - lung cysts - overgrowth - Wilms tumor syndrome. Last evaluated: 2023-11-27. Review status: criteria provided, single submitter. Criteria: ACMG Guidelines, 2015. Collection method: clinical testing. Allele origin: unknown.

PreventionGenetics, part of Exact Sciences
Classification: Uncertain significance for DICER1-related condition. Last evaluated: 2024-05-22. Review status: no assertion criteria provided. Collection method: clinical testing. Allele origin: germline. Not counted in ClinVar's aggregate classification.
Comment: The DICER1 c.1955A>C variant is predicted to result in the amino acid substitution p.Lys652Thr. To our knowledge, this variant has not been reported in the literature. This variant is reported in 0.029% of alleles in individuals of Latino descent in gnomAD. In ClinVar this variant has been interpreted ranging from likely benign to uncertain. Although we suspect that this variant may be benign, at this time, the clinical significance of this variant is uncertain due to the absence of conclusive functional and genetic evidence.